The following is an entry in ClinVar:

NM_024408.4(NOTCH2):c.5518G>A (p.Gly1840Ser)

Gene: NOTCH2 (notch receptor 2; minus strand). Cytogenetic location: 1p12.
Variant type: single nucleotide variant.
Coding change: c.5518G>A on transcript NM_024408.4 (MANE Select); coding-DNA position 5518, G replaced by A.
Protein change: p.Gly1840Ser; replaces glycine 1840 with serine.
Molecular consequence: missense variant.
Genome position (GRCh38, 1-based): chr1:119,919,575, C>T on the plus strand (G>A on the coding strand, the complement: NOTCH2 is on the minus strand). VCF-style: chr1-119919575-C-T. GRCh37 (hg19) VCF-style: chr1-120462198-C-T.
Other names: short protein forms G1840S.
Identifiers: ClinVar variation 424126 (VCV000424126.2), dbSNP rs1064796810, ClinGen allele CA16616961.
Genomic context (GRCh38, chr1:119,919,575, plus strand): 5'-TGATGATGTTAGCAGAAGAGTCCTCTGCATCTTCATCTTCATCACTCAAATCTGAGCTGC[C>T]TCCTCGGAGAGAAGCCAACATCAATGGGGTGCAGCCATCTGTAGGAATGGAAAATTCCAT-3'
Protein context (NP_077719.2, residues 1830-1850): TPLMLASLRG[Gly1840Ser]SSDLSDEDED

ClinVar aggregate classification (germline): Uncertain significance (1 of 4 stars; one submission).

Submission:

GeneDx
Classification: Uncertain significance. Last evaluated: 2017-03-14. Review status: criteria provided, single submitter. Criteria: GeneDx Variant Classification (06012015). Collection method: clinical testing. Allele origin: germline. Affected: yes.
Comment: The G1840S variant in the NOTCH2 gene has not been reported previously as a pathogenic variant, nor as a benign variant, to our knowledge. The G1840S variant is not observed in large population cohorts (Lek et al., 2016; 1000 Genomes Consortium et al., 2015; Exome Variant Server). The G1840S variant is a non-conservative amino acid substitution, which is likely to impact secondary protein structure as these residues differ in polarity, charge, size and/or other properties. This substitution occurs at a position that is conserved across species. In silico analysis predicts this variant is probably damaging to the protein structure/function. We interpret G1840S as a variant of uncertain significance.